The following is an entry in ClinVar:

NM_000218.3(KCNQ1):c.1393+29127G>T

Genes: KCNQ1 (potassium voltage-gated channel subfamily Q member 1; plus strand), KCNQ1OT1 (KCNQ1 opposite strand/antisense transcript 1; minus strand). Cytogenetic location: 11p15.5.
Variant type: single nucleotide variant.
Coding change: c.1393+29127G>T on transcript NM_000218.3 (MANE Select); 29127 bases into the intron after coding-DNA position 1393, G replaced by T.
Molecular consequence: intron variant. On other transcripts: non-coding transcript variant (1).
Genome position (GRCh38, 1-based): chr11:2,617,981, G>T. VCF-style: chr11-2617981-G-T. GRCh37 (hg19) VCF-style: chr11-2639211-G-T.
Other names: c.1123+29127G>T (NM_001406837.1); c.1297+29127G>T (NM_001406836.1); c.853+29127G>T (NM_001406838.1); c.1012+29127G>T (NM_181798.2).
Identifiers: ClinVar variation 3250901 (VCV003250901.18), dbSNP rs572246076.
Genomic context (GRCh38, chr11:2,617,981, plus strand): 5'-ATTTTGGATATTATCCTCTTATAAGATATATGGTTGGCAAATATTTTCTTCTAGTCCATA[G>T]GTTGCCTTTTCCTTTTGTTGACTGTTTCCGTTCCTGTGCAGAAGTTTTTTAGTTTGATGG-3'

ClinVar aggregate classification (germline): Likely benign (1 of 4 stars; one submission).

Allele frequency attached by ClinVar (database versions not stated): 1000 Genomes Project 0.00020; 1000 Genomes Project 30x 0.00031; gnomAD 0.00036; TOPMed 0.00038; gnomAD exomes 0.00048.
gnomAD v4.1: 176 of 398,458 alleles (0.044%); highest among the groups gnomAD compares: Middle Eastern, 0.063%; no homozygotes.

Submission:

CeGaT Center for Human Genetics Tuebingen
Classification: Likely benign. Last evaluated: 2026-06-01. Review status: criteria provided, single submitter. Criteria: CeGaT Center For Human Genetics Tuebingen Variant Classification Criteria Version 2. Collection method: clinical testing. Allele origin: germline. Affected: yes. Observed: 3 variant alleles.
Comment: KCNQ1OT1: BS2